The following is an entry in ClinVar:

NM_004100.5(EYA4):c.838C>T (p.Gln280Ter)

Gene: EYA4 (EYA transcriptional coactivator and phosphatase 4; plus strand). Cytogenetic location: 6q23.2.
Variant type: single nucleotide variant.
Coding change: c.838C>T on transcript NM_004100.5 (MANE Select); coding-DNA position 838, C replaced by T.
Protein change: p.Gln280Ter; replaces glutamine 280 with a stop codon.
Molecular consequence: nonsense.
Genome position (GRCh38, 1-based): chr6:133,468,599, C>T. VCF-style: chr6-133468599-C-T. GRCh37 (hg19) VCF-style: chr6-133789737-C-T.
Other names: c.676C>T, p.Gln226Ter (NM_001301012.2, NM_001370459.1); c.838C>T, p.Gln280Ter (NM_001301013.2, NM_172105.4); c.769C>T, p.Gln257Ter (NM_001370458.1, NM_172103.4); short protein forms Q226*, Q257*, Q280*.
Identifiers: ClinVar variation 3601124 (VCV003601124.1).
Genomic context (GRCh38, chr6:133,468,599, plus strand): 5'-ACACACACATCTCAATTATTGTTTCAGGATTATCCATCCTATACAGCCTTTGGCCAAAAC[C>T]AGTATGCACAGTATTATTCAGCATCAACGTATGGAGCGTATATGACATCGAATAACACAG-3'

ClinVar aggregate classification (germline): Likely pathogenic (1 of 4 stars; one submission).

Conditions:
Autosomal dominant nonsyndromic hearing loss 10. Identifiers: Orphanet 90635, MedGen C1832476, MONDO:0011031, OMIM 601316.

Submission:

Institute of Rare Diseases, West China Hospital, Sichuan University
Classification: Likely pathogenic for Autosomal dominant nonsyndromic hearing loss 10. Last evaluated: 2025-01-09. Review status: criteria provided, single submitter. Criteria: ClinGen HL ACMG Specifications v1. Collection method: research. Allele origin: germline. Affected: yes.
Comment: PVS1;PM2_Supporting